The following is an entry in ClinVar:

ClinVar aggregate classification (germline): Likely pathogenic (1 of 4 stars; one submission).

Conditions:
MSX1-related disorder. Also called: MSX1-related condition.

Submission:

PreventionGenetics, part of Exact Sciences
Classification: Likely pathogenic for MSX1-related condition. Last evaluated: 2025-04-11. Review status: criteria provided, single submitter. Criteria: ACMG Guidelines, 2015. Collection method: clinical testing. Allele origin: germline.
Comment: The MSX1 c.448delC variant is predicted to result in a frameshift and premature protein termination (p.Arg150Alafs*10). To our knowledge, this variant has not been reported in the literature or in a large population database (gnomAD), indicating this variant is rare. Frameshift variants in MSX1 are expected to be pathogenic. This variant is interpreted as likely pathogenic.

NM_002448.3(MSX1):c.448del (p.Arg150fs)

Gene: MSX1 (msh homeobox 1; plus strand). Cytogenetic location: 4p16.2.
Variant type: Deletion.
Coding change: c.448del on transcript NM_002448.3 (MANE Select); coding-DNA position 448, one base deleted (C; older notation c.448delC).
Protein change: p.Arg150fs; shifts the reading frame from arginine 150.
Molecular consequence: frameshift variant.
Genome position (GRCh38, 1-based): chr4:4,860,347, C deleted; the last of 5 consecutive C bases (chr4:4,860,343-4,860,347); deleting any one gives the same sequence. VCF-style (leftmost placement, unchanged base first): chr4-4860342-GC-G. GRCh37 (hg19) VCF-style: chr4-4862069-GC-G.
Other names: c.448delC (NM_002448.3); short protein forms R150fs.
Identifiers: ClinVar variation 4999134 (VCV004999134.1).